The following is an entry in ClinVar:

NM_001164508.2(NEB):c.5986G>A (p.Ala1996Thr)

Gene: NEB (nebulin; minus strand). Cytogenetic location: 2q23.3.
Variant type: single nucleotide variant.
Coding change: c.5986G>A on transcript NM_001164508.2 (MANE Select); coding-DNA position 5986, G replaced by A.
Protein change: p.Ala1996Thr; replaces alanine 1996 with threonine.
Molecular consequence: missense variant.
Genome position (GRCh38, 1-based): chr2:151,659,154, C>T on the plus strand (G>A on the coding strand, the complement: NEB is on the minus strand). VCF-style: chr2-151659154-C-T. GRCh37 (hg19) VCF-style: chr2-152515668-C-T.
Other names: c.5986G>A, p.Ala1996Thr (NM_001164507.2, NM_001271208.2, NM_004543.5); short protein forms A1996T.
Identifiers: ClinVar variation 2002712 (VCV002002712.4), dbSNP rs2552254264, ClinGen allele CA348803449.
Genomic context (GRCh38, chr2:151,659,154, plus strand): 5'-CCAAAATAATCTGGGGGATATCAGGCATGATGTGGACTTTGGTTTTGTCAGCCTCCCATG[C>T]TTGTTTGTAGAGATGCTAGGAAAAAAACAGTGTAAATTAGTGTTTAAAATCTTAAAAGAA-3'
Protein context (NP_001157980.2, residues 1986-2006): KIMNEHLYKQ[Ala1996Thr]WEADKTKVHI

ClinVar aggregate classification (germline): Uncertain significance (1 of 4 stars; one submission).

Conditions:
Nemaline myopathy 2 (NEM2). Also called: Nemaline myopathy 2, autosomal recessive. Identifiers: MedGen C1850569, MONDO:0009725, OMIM 256030.

Allele frequency attached by ClinVar (database versions not stated): gnomAD exomes below 0.00001.
gnomAD v4.1: 1 of 1,611,372 alleles (0.000062%); highest among the groups gnomAD compares: Non-Finnish European, 0.000085%; no homozygotes.

Submission:

Labcorp Genetics (formerly Invitae), Labcorp
Classification: Uncertain significance for Nemaline myopathy 2. Last evaluated: 2022-06-07. Review status: criteria provided, single submitter. Criteria: Invitae Variant Classification Sherloc (09022015). Collection method: clinical testing. Allele origin: germline.
Comment: This sequence change replaces alanine, which is neutral and non-polar, with threonine, which is neutral and polar, at codon 1996 of the NEB protein (p.Ala1996Thr). This variant is not present in population databases (gnomAD no frequency). This variant has not been reported in the literature in individuals affected with NEB-related conditions. Algorithms developed to predict the effect of missense changes on protein structure and function are either unavailable or do not agree on the potential impact of this missense change (SIFT: "Deleterious"; PolyPhen-2: "Not Available"; Align-GVGD: "Class C0"). In summary, the available evidence is currently insufficient to determine the role of this variant in disease. Therefore, it has been classified as a Variant of Uncertain Significance.